The following is an entry in ClinVar:

ClinVar aggregate classification (germline): Uncertain significance (0 of 4 stars; one submission).

Conditions:
KMT5B-related disorder. Also called: KMT5B-related condition.

Submission:

PreventionGenetics, part of Exact Sciences
Classification: Uncertain significance for KMT5B-related condition. Last evaluated: 2024-03-14. Review status: no assertion criteria provided. Collection method: clinical testing. Allele origin: germline.
Comment: The KMT5B c.652T>C variant is predicted to result in the amino acid substitution p.Trp218Arg. To our knowledge, this variant has not been reported in the literature or in a large population database, indicating this variant is rare. At this time, the clinical significance of this variant is uncertain due to the absence of conclusive functional and genetic evidence.

NM_017635.5(KMT5B):c.652T>C (p.Trp218Arg)

Gene: KMT5B (lysine methyltransferase 5B; minus strand). Cytogenetic location: 11q13.2.
Variant type: single nucleotide variant.
Coding change: c.652T>C on transcript NM_017635.5 (MANE Select); coding-DNA position 652, T replaced by C.
Protein change: p.Trp218Arg; replaces tryptophan 218 with arginine.
Molecular consequence: missense variant. On other transcripts: 5 prime UTR variant (1), non-coding transcript variant (3).
Genome position (GRCh38, 1-based): chr11:68,173,805, A>G on the plus strand (T>C on the coding strand, the complement: KMT5B is on the minus strand). VCF-style: chr11-68173805-A-G. GRCh37 (hg19) VCF-style: chr11-67941272-A-G.
Other names: c.136T>C, p.Trp46Arg (NM_001300907.1, NM_001369424.1, NM_001369428.1 and 5 more transcripts); c.-16T>C (NM_001300908.2); c.583T>C, p.Trp195Arg (NM_001300909.2); c.652T>C, p.Trp218Arg (NM_001363566.2, NM_001369426.1, NM_001369427.1 and 1 more transcripts); c.439T>C, p.Trp147Arg (NM_001369425.1); short protein forms W147R, W195R, W218R, W46R.
Identifiers: ClinVar variation 3349894 (VCV003349894.1).